The following is an entry in ClinVar:

ClinVar aggregate classification (germline): Uncertain significance. Review status: criteria provided, multiple submitters, no conflicts (2 of 4 stars). 2 submissions from 2 submitters: Uncertain significance (2). Last evaluated 2026-04-12.

Conditions:
Inborn genetic diseases. Identifiers: MedGen C0950123, MeSH D030342.
MYO15A-related disorder. Also called: MYO15A-related condition.

Allele frequency attached by ClinVar (database versions not stated): gnomAD 0.00002; TOPMed 0.00002; ExAC 0.00003.
gnomAD v4.1: 53 of 1,612,362 alleles (0.0033%); highest among the groups gnomAD compares: Non-Finnish European, 0.0045%; no homozygotes.

Submissions (2):

PreventionGenetics, part of Exact Sciences
Classification: Uncertain significance for MYO15A-related condition. Last evaluated: 2026-04-12. Review status: criteria provided, single submitter. Criteria: ACMG Guidelines, 2015. Collection method: clinical testing. Allele origin: germline.
Comment: The MYO15A c.633G>C variant is predicted to result in the amino acid substitution p.Glu211Asp. To our knowledge, this variant has not been reported in the literature. This variant is reported in 0.0046% of alleles in individuals of European (Non-Finnish) descent in gnomAD. At this time, the clinical significance of this variant is uncertain due to the absence of conclusive functional and genetic evidence.

Ambry Genetics
Classification: Uncertain significance for Inborn genetic diseases. Last evaluated: 2022-10-26. Review status: criteria provided, single submitter. Criteria: Ambry Variant Classification Scheme 2023. Collection method: clinical testing. Allele origin: germline.

NM_016239.4(MYO15A):c.633G>C (p.Glu211Asp)

Gene: MYO15A (myosin XVA; plus strand). Cytogenetic location: 17p11.2.
Variant type: single nucleotide variant.
Coding change: c.633G>C on transcript NM_016239.4 (MANE Select); coding-DNA position 633, G replaced by C.
Protein change: p.Glu211Asp; replaces glutamic acid 211 with aspartic acid.
Molecular consequence: missense variant.
Genome position (GRCh38, 1-based): chr17:18,119,433, G>C. VCF-style: chr17-18119433-G-C. GRCh37 (hg19) VCF-style: chr17-18022747-G-C.
Other names: short protein forms E211D.
Identifiers: ClinVar variation 2319829 (VCV002319829.3), dbSNP rs751909204, ClinGen allele CA8422895.